The following is an entry in ClinVar:

ClinVar aggregate classification (germline): Conflicting classifications of pathogenicity. Review status: criteria provided, conflicting classifications (1 of 4 stars). 3 submissions from 3 submitters: Uncertain significance (1); Likely benign (2). Last evaluated 2024-12-19.

Conditions:
GNAS-related disorder. Identifiers: MedGen CN380105.

Submissions (3):

PreventionGenetics, part of Exact Sciences
Classification: Likely benign for GNAS-related condition. Last evaluated: 2024-12-19. Review status: criteria provided, single submitter. Criteria: ACMG Guidelines, 2015. Collection method: clinical testing. Allele origin: germline.
Comment: This variant is classified as likely benign based on ACMG/AMP sequence variant interpretation guidelines (Richards et al. 2015 PMID: 25741868, with internal and published modifications).

Blueprint Genetics
Classification: Likely benign. Last evaluated: 2023-09-07. Review status: criteria provided, single submitter. Criteria: ACMG Guidelines, 2015. Collection method: clinical testing. Allele origin: germline.

Women's Health and Genetics/Laboratory Corporation of America, LabCorp
Classification: Uncertain significance. Last evaluated: 2023-08-30. Review status: criteria provided, single submitter. Criteria: LabCorp Variant Classification Summary - May 2015. Collection method: clinical testing. Allele origin: germline.
Comment: Variant summary: GNAS c.-37096_-37095ins36 is located in the untranscribed region upstream of the GNAS gene region in the transcript NM_000516. In an alternate transcript (NM_080425), the variant is expected to result in the in-frame insertion c.1366_1367ins36 (p.Ser455_Gly456ins12). The variant was absent in 140934 control chromosomes (gnomAD). The available data on variant occurrences in the general population are insufficient to allow any conclusion about variant significance. To our knowledge, no occurrence of c.-37096_-37095ins36 in individuals affected with GNAS-Related Disorders and no experimental evidence demonstrating its impact on protein function have been reported. No submitters have cited clinical-significance assessments for this variant to ClinVar after 2014. Based on the evidence outlined above, the variant was classified as uncertain significance.

NM_080425.4(GNAS):c.1366_1367insAGGCGGCCCCTGACGCCCCAGCCGATCCCGACTCCG (p.Ser455_Gly456insGluAlaAlaProAspAlaProAlaAspProAspSer)

Gene: GNAS (GNAS complex locus; plus strand). Cytogenetic location: 20q13.32.
Variant type: Microsatellite.
Coding change: c.1366_1367insAGGCGGCCCCTGACGCCCCAGCCGATCCCGACTCCG on transcript NM_080425.4 (MANE Plus Clinical); coding-DNA positions 1366 to 1367, AGGCGGCCCCTGACGCCCCAGCCGATCCCGACTCCG inserted.
Protein change: p.Ser455_Gly456insGluAlaAlaProAspAlaProAlaAspProAspSer.
Molecular consequence: inframe insertion. On other transcripts: intron variant (3).
Genome position: GRCh38: chr20:58,854,597-58,854,631. GRCh37 (hg19): chr20:57,429,652-57,429,686.
Other names: c.1179_1180insAGGCGGCCCCTGACGCCCCAGCCGATCCCGACTCCG, p.Pro393_Gly394insArgArgProLeuThrProGlnProIleProThrPro (NM_001077490.3, NM_001309883.1); c.1366_1367insAGGCGGCCCCTGACGCCCCAGCCGATCCCGACTCCG, p.Ser455_Gly456insGluAlaAlaProAspAlaProAlaAspProAspSer (NM_001410913.1); c.*42+13745_*42+13746insAGGCGGCCCCTGACGCCCCAGCCGATCCCGACTCCG (NM_016592.5); c.43+13745_43+13746insAGGCGGCCCCTGACGCCCCAGCCGATCCCGACTCCG (NM_001410912.1); c.-39+12756_-39+12757insAGGCGGCCCCTGACGCCCCAGCCGATCCCGACTCCG (NM_001309861.2).
Identifiers: ClinVar variation 2581450 (VCV002581450.5), dbSNP rs1360978129.